The following is an entry in ClinVar:

NM_001873.4(CPE):c.803A>G (p.Glu268Gly)

Gene: CPE (carboxypeptidase E; plus strand). Cytogenetic location: 4q32.3.
Variant type: single nucleotide variant.
Coding change: c.803A>G on transcript NM_001873.4 (MANE Select); coding-DNA position 803, A replaced by G.
Protein change: p.Glu268Gly; replaces glutamic acid 268 with glycine.
Molecular consequence: missense variant.
Genome position (GRCh38, 1-based): chr4:165,484,434, A>G. VCF-style: chr4-165484434-A-G. GRCh37 (hg19) VCF-style: chr4-166405586-A-G.
Other names: short protein forms E268G.
Identifiers: ClinVar variation 5002542 (VCV005002542.1).
Genomic context (GRCh38, chr4:165,484,434, plus strand): 5'-CTGCTTGGTCTGTGTCTGTTTCTTTAATCTTGTGGATTTGTTTTCTAGGTAGTGCTCACG[A>G]ATACAGCTCCTCCCCAGATGACGCCATTTTCCAAAGCTTGGCCCGGGCATACTCTTCTTT-3'
Protein context (NP_001864.1, residues 258-278): YDETRSGSAH[Glu268Gly]YSSSPDDAIF

ClinVar aggregate classification (germline): Uncertain significance (1 of 4 stars; one submission).

Conditions:
CPE-related disorder. Also called: CPE-related condition.

gnomAD v4.1: 29 of 1,613,866 alleles (0.0018%); highest among the groups gnomAD compares: Non-Finnish European, 0.0025%; no homozygotes.

Submission:

PreventionGenetics, part of Exact Sciences
Classification: Uncertain significance for CPE-related condition. Last evaluated: 2026-04-05. Review status: criteria provided, single submitter. Criteria: ACMG Guidelines, 2015. Collection method: clinical testing. Allele origin: germline.
Comment: The CPE c.803A>G variant is predicted to result in the amino acid substitution p.Glu268Gly. To our knowledge, this variant has not been reported in the literature. This variant is reported in 0.0% of alleles in individuals of African descent in gnomAD. At this time, the clinical significance of this variant is uncertain due to the absence of conclusive functional and genetic evidence.